The following is an entry in ClinVar:

ClinVar aggregate classification (germline): Uncertain significance (1 of 4 stars; one submission).

Conditions:
Bethlem myopathy 1A. Also called: MYOPATHY, BENIGN CONGENITAL, WITH CONTRACTURES; Bethlem myopathy 1; Bethlem Muscular Dystrophy. Identifiers: Orphanet 610, MedGen CN029274, MONDO:0024530, OMIM 158810.

Allele frequency attached by ClinVar (database versions not stated): TOPMed below 0.00001.

Submission:

Labcorp Genetics (formerly Invitae), Labcorp
Classification: Uncertain significance for Bethlem myopathy 1A. Last evaluated: 2023-06-10. Review status: criteria provided, single submitter. Criteria: Invitae Variant Classification Sherloc (09022015). Collection method: clinical testing. Allele origin: germline.
Comment: This sequence change replaces glutamine, which is neutral and polar, with arginine, which is basic and polar, at codon 27 of the COL6A3 protein (p.Gln27Arg). In summary, the available evidence is currently insufficient to determine the role of this variant in disease. Therefore, it has been classified as a Variant of Uncertain Significance. Advanced modeling of protein sequence and biophysical properties (such as structural, functional, and spatial information, amino acid conservation, physicochemical variation, residue mobility, and thermodynamic stability) performed at Invitae indicates that this missense variant is not expected to disrupt COL6A3 protein function. This variant has not been reported in the literature in individuals affected with COL6A3-related conditions. This variant is not present in population databases (gnomAD no frequency).

NM_004369.4(COL6A3):c.80A>G (p.Gln27Arg)

Gene: COL6A3 (collagen type VI alpha 3 chain; minus strand). Cytogenetic location: 2q37.3.
Variant type: single nucleotide variant.
Coding change: c.80A>G on transcript NM_004369.4 (MANE Select); coding-DNA position 80, A replaced by G.
Protein change: p.Gln27Arg; replaces glutamine 27 with arginine.
Molecular consequence: missense variant.
Genome position (GRCh38, 1-based): chr2:237,396,738, T>C on the plus strand (A>G on the coding strand, the complement: COL6A3 is on the minus strand). VCF-style: chr2-237396738-T-C. GRCh37 (hg19) VCF-style: chr2-238305381-T-C.
Other names: c.80A>G, p.Gln27Arg (NM_057164.5, NM_057165.5, NM_057166.5 and 1 more transcripts); short protein forms Q27R.
Identifiers: ClinVar variation 2713093 (VCV002713093.3), dbSNP rs1327330428, ClinGen allele CA351229157.